The following is an entry in ClinVar:

NM_001904.4(CTNNB1):c.776_777del (p.Leu259fs)

Gene: CTNNB1 (catenin beta 1; plus strand). Cytogenetic location: 3p22.1.
Variant type: Microsatellite.
Coding change: c.776_777del on transcript NM_001904.4 (MANE Select); coding-DNA positions 776 to 777, 2 bases deleted (TC; older notation c.776_777delTC).
Protein change: p.Leu259fs; shifts the reading frame from leucine 259.
Molecular consequence: frameshift variant.
Genome position (GRCh38, 1-based): chr3:41,225,701-41,225,702, TC deleted; deleting any 2 consecutive bases within chr3:41,225,698-41,225,702 gives the same sequence; the c. name uses the placement nearest the transcript's 3' end. VCF-style (leftmost placement, unchanged base first): chr3-41225697-ACT-A. GRCh37 (hg19) VCF-style: chr3-41267188-ACT-A.
Other names: c.776_777del, p.Leu259fs (NM_001098209.2, NM_001098210.2); c.755_756del, p.Leu252fs (NM_001330729.2); short protein forms L252fs, L259fs.
Identifiers: ClinVar variation 503913 (VCV000503913.3), dbSNP rs1553630458, ClinGen allele CA658796289.

ClinVar aggregate classification (germline): Pathogenic. Review status: criteria provided, multiple submitters, no conflicts (2 of 4 stars). 2 submissions from 2 submitters: Pathogenic (2). Last evaluated 2024-08-29.

Conditions:
CTNNB1-related disorder. Also called: CTNNB1-related condition.

Submissions (2):

Blueprint Genetics
Classification: Pathogenic for CTNNB1-related disorders. Last evaluated: 2024-08-29. Review status: criteria provided, single submitter. Criteria: ACMG Guidelines, 2015. Collection method: clinical testing. Allele origin: germline. Affected: yes. Observed: 1 variant allele.

GeneDx
Classification: Pathogenic. Last evaluated: 2017-12-18. Review status: criteria provided, single submitter. Criteria: GeneDx Variant Classification (06012015). Collection method: clinical testing. Allele origin: germline. Affected: yes.
Comment: The c.776_777delTC variant in the CTNNB1 gene has not been reported previously as a pathogenic variant nor as a benign variant, to our knowledge. The c.776_777delTC variant causes a frameshift starting with codon Leucine 259, changes this amino acid to a Proline residue, and creates a premature Stop codon at position 11 of the new reading frame, denoted p.Leu259ProfsX11. This variant is predicted to cause loss of normal protein function either through protein truncation or nonsense-mediated mRNA decay. The c.776_777delTC variant is not observed in large population cohorts (Lek et al., 2016). We interpret c.776_777delTC as a pathogenic variant.